The following is an entry in ClinVar:

ClinVar aggregate classification (germline): Uncertain significance (1 of 4 stars; one submission).

Conditions:
Inborn genetic diseases. Identifiers: MedGen C0950123, MeSH D030342.

Submission:

Ambry Genetics
Classification: Uncertain significance for Inborn genetic diseases. Last evaluated: 2025-11-07. Review status: criteria provided, single submitter. Criteria: Ambry Variant Classification Scheme 2023. Collection method: clinical testing. Allele origin: germline.
Comment: The p.A46E variant (also known as c.137C>A), located in coding exon 3 of the RUNX1 gene, results from a C to A substitution at nucleotide position 137. The alanine at codon 46 is replaced by glutamic acid, an amino acid with dissimilar properties. This amino acid position is conserved. In addition, the in silico prediction for this alteration is inconclusive. Based on the available evidence, the clinical significance of this variant remains unclear.

NM_001754.5(RUNX1):c.137C>A (p.Ala46Glu)

Gene: RUNX1 (RUNX family transcription factor 1; minus strand). Cytogenetic location: 21q22.12.
Variant type: single nucleotide variant.
Coding change: c.137C>A on transcript NM_001754.5 (MANE Select); coding-DNA position 137, C replaced by A.
Protein change: p.Ala46Glu; replaces alanine 46 with glutamic acid.
Molecular consequence: missense variant.
Genome position (GRCh38, 1-based): chr21:34,887,057, G>T on the plus strand (C>A on the coding strand, the complement: RUNX1 is on the minus strand). VCF-style: chr21-34887057-G-T. GRCh37 (hg19) VCF-style: chr21-36259354-G-T.
Other names: c.56C>A, p.Ala19Glu (NM_001001890.3, NM_001122607.2); short protein forms A19E, A46E.
Identifiers: ClinVar variation 4629685 (VCV004629685.1).